The following is an entry in ClinVar:

ClinVar aggregate classification (germline): Likely pathogenic. Review status: criteria provided, single submitter (1 of 4 stars). 3 submissions from 3 submitters: Likely pathogenic (1). 2 of the submissions do not count toward it. Last evaluated 2024-03-01.

Conditions:
Hypotonia. Also called: Muscular hypotonia; poor muscle tone. Identifiers: MedGen C0026827, HP:0001252.
Global developmental delay (DD). Also called: Cognitive delay. Identifiers: MedGen C0557874, HP:0001263. Disease mechanism: loss of function.
Neurodevelopmental disorder with impaired intellectual development, hypotonia, and ataxia. Identifiers: MedGen C4749014, MONDO:0032661, OMIM 618292.

Submissions (3):

Women's Health and Genetics/Laboratory Corporation of America, LabCorp
Classification: Likely pathogenic for Neurodevelopmental disorder with impaired intellectual development, hypotonia, and ataxia. Last evaluated: 2024-03-01. Review status: criteria provided, single submitter. Criteria: LabCorp Variant Classification Summary - May 2015. Collection method: clinical testing. Allele origin: germline.
Comment: Variant summary: DOCK3 c.1038-2A>G is located in a canonical splice-site and is predicted to affect mRNA splicing resulting in a significantly altered protein due to either exon skipping, shortening, or inclusion of intronic material. Several computational tools predict a significant impact on normal splicing: Four predict the variant abolishes a canonical 3' acceptor site. However, these predictions have yet to be confirmed by functional studies. The frequency data for this variant in gnomAD is considered unreliable, as metrics indicate poor data quality at this position. c.1038-2A>G has been reported in the literature in an individual affected with Neurodevelopmental Disorder With Impaired Intellectual Developmen and Hypotonia (Wiltrout_2019), and they were compound heterozygous with a pathogenic variant. To our knowledge, no experimental evidence demonstrating an impact on protein function has been reported. The following publication has been ascertained in the context of this evaluation (PMID: 30976111). ClinVar contains an entry for this variant (Variation ID: 599269). Based on the evidence outlined above, the variant was classified as likely pathogenic.

OMIM
Classification: Pathogenic for NEURODEVELOPMENTAL DISORDER WITH IMPAIRED INTELLECTUAL DEVELOPMENT, HYPOTONIA, AND ATAXIA. Last evaluated: 2020-08-12. Review status: no assertion criteria provided. Collection method: literature only. Allele origin: germline. Not counted in ClinVar's aggregate classification.

The Division of Genetics and Genomic Medicine, Washington University School of Medicine
Classification: Pathogenic for Hypotonia; Global developmental delay. Last evaluated: 2017-03-31. Review status: no assertion criteria provided. Collection method: clinical testing. Allele origin: germline. Inheritance: Autosomal recessive inheritance. Affected: yes. Observed: 1 compound heterozygote. Not counted in ClinVar's aggregate classification.

Literature cited by the submitters: PubMed 30976111 (cited by Women's Health and Genetics/Laboratory Corporation of America, LabCorp and OMIM).

NM_004947.5(DOCK3):c.1038-2A>G

Gene: DOCK3 (dedicator of cytokinesis 3; plus strand). Cytogenetic location: 3p21.2.
Variant type: single nucleotide variant.
Coding change: c.1038-2A>G on transcript NM_004947.5 (MANE Select); the canonical splice acceptor site of the intron before coding-DNA position 1038, A replaced by G.
Molecular consequence: splice acceptor variant.
Genome position (GRCh38, 1-based): chr3:51,208,772, A>G. VCF-style: chr3-51208772-A-G. GRCh37 (hg19) VCF-style: chr3-51246203-A-G.
Other names: IVS12-2A>G; IVS12AS, A-G, -2.
Identifiers: ClinVar variation 599269 (VCV000599269.7), dbSNP rs1560212751, ClinGen allele CA353004354.